The following is an entry in ClinVar:

NM_003073.5(SMARCB1):c.93+44G>C

Gene: SMARCB1 (SWI/SNF related BAF chromatin remodeling complex subunit B1; plus strand). Cytogenetic location: 22q11.23.
Variant type: single nucleotide variant.
Coding change: c.93+44G>C on transcript NM_003073.5 (MANE Select); 44 bases into the intron after coding-DNA position 93, G replaced by C.
Molecular consequence: intron variant.
Genome position (GRCh38, 1-based): chr22:23,787,306, G>C. VCF-style: chr22-23787306-G-C. GRCh37 (hg19) VCF-style: chr22-24129493-G-C.
Other names: c.93+44G>C (NM_001362877.2, NM_001317946.2, NM_001007468.3).
Identifiers: ClinVar variation 676911 (VCV000676911.2), dbSNP rs35243495, ClinGen allele CA10145838.

ClinVar aggregate classification (germline): Benign. Review status: criteria provided, multiple submitters, no conflicts (2 of 4 stars). 2 submissions from 2 submitters: Benign (2). Last evaluated 2018-06-16.

Allele frequency attached by ClinVar (database versions not stated): ESP Exome Variant Server 0.00078; 1000 Genomes Project 0.00938; TOPMed 0.01027.
gnomAD v4.1: 7,445 of 1,256,854 alleles (0.59%); highest among the groups gnomAD compares: Admixed American, 12%; 519 homozygotes.

Submissions (2):

GeneDx
Classification: Benign. Last evaluated: 2018-06-16. Review status: criteria provided, single submitter. Criteria: GeneDx Variant Classification (06012015). Collection method: clinical testing. Allele origin: germline. Affected: yes.
Comment: This variant is considered likely benign or benign based on one or more of the following criteria: it is a conservative change, it occurs at a poorly conserved position in the protein, it is predicted to be benign by multiple in silico algorithms, and/or has population frequency not consistent with disease.

Breakthrough Genomics
Classification: Benign. Review status: criteria provided, single submitter. Criteria: ACMG Guidelines, 2015. Collection method: not provided. Allele origin: germline. Inheritance: Autosomal dominant inheritance. Affected: yes.